The following is an entry in ClinVar:

ClinVar aggregate classification (germline): Pathogenic. Review status: criteria provided, single submitter (1 of 4 stars). 4 submissions from 4 submitters: Pathogenic (1). 3 of the submissions do not count toward it. Last evaluated 2025-11-03.

Conditions:
Majeed syndrome (MJDS). Also called: CHRONIC RECURRENT MULTIFOCAL OSTEOMYELITIS 1, WITH CONGENITAL DYSERYTHROPOIETIC ANEMIA, WITH OR WITHOUT NEUTROPHILIC DERMATOSIS; LPIN2-Related Majeed Syndrome. Identifiers: Orphanet 77297, MedGen C1864997, MONDO:0012316, OMIM 609628.

Submissions (4):

Labcorp Genetics (formerly Invitae), Labcorp
Classification: Pathogenic for Majeed syndrome. Last evaluated: 2025-11-03. Review status: criteria provided, single submitter. Criteria: Invitae Variant Classification Sherloc (09022015). Collection method: clinical testing. Allele origin: germline.
Comment: This sequence change creates a premature translational stop signal (p.Cys181*) in the LPIN2 gene. It is expected to result in an absent or disrupted protein product. Loss-of-function variants in LPIN2 are known to be pathogenic (PMID: 15994876, 23087183). This variant is not present in population databases (gnomAD no frequency). This premature translational stop signal has been observed in individual(s) with Majeed syndrome (PMID: 15994876). ClinVar contains an entry for this variant (Variation ID: 4909). For these reasons, this variant has been classified as Pathogenic.

OMIM
Classification: Pathogenic for MAJEED SYNDROME. Last evaluated: 2005-07-01. Review status: no assertion criteria provided. Collection method: literature only. Allele origin: germline. Not counted in ClinVar's aggregate classification.

GeneReviews
No classification provided. Condition: Majeed syndrome. Review status: no classification provided. Collection method: literature only. Allele origin: unknown. Not counted in ClinVar's aggregate classification.

Unité médicale des maladies autoinflammatoires, CHRU Montpellier
No classification provided. Condition: Majeed syndrome. Review status: no classification provided. Collection method: not provided. Allele origin: unknown. Not counted in ClinVar's aggregate classification.

Literature cited by the submitters: PubMed 15994876 (cited by 3 submitters); PubMed 23087183 (cited by Labcorp Genetics (formerly Invitae), Labcorp); PubMed 11795677 (cited by OMIM and GeneReviews); PubMed 20301735 (cited by GeneReviews); NCBI Bookshelf NBK1974 (cited by GeneReviews).

NM_001375808.2(LPIN2):c.540_541del (p.Thr180_Cys181insTer)

Gene: LPIN2 (lipin 2; minus strand). Cytogenetic location: 18p11.31.
Variant type: Deletion.
Coding change: c.540_541del on transcript NM_001375808.2 (MANE Select); coding-DNA positions 540 to 541, 2 bases deleted (AT; older notation c.540_541delAT).
Protein change: p.Thr180_Cys181insTer.
Molecular consequence: frameshift variant.
Genome position (GRCh38, 1-based): chr18:2,951,104-2,951,105, AT deleted on the plus strand (AT on the coding strand, the reverse complement: LPIN2 is on the minus strand). VCF-style (leftmost placement, unchanged base first): chr18-2951103-CAT-C. GRCh37 (hg19) VCF-style: chr18-2951101-CAT-C.
Other names: c.540_541del, p.Thr180_Cys181insTer (NM_001375809.1, NM_014646.2).
Identifiers: ClinVar variation 4909 (VCV000004909.6), dbSNP rs80338806, ClinGen allele CA340318.